The following is an entry in ClinVar:

NM_001146079.2(CLDN14):c.-81-4T>C

Genes: CLDN14 (claudin 14; minus strand), CLDN14-AS1 (CLDN14 antisense RNA 1; plus strand). Cytogenetic location: 21q22.13.
Variant type: single nucleotide variant.
Coding change: c.-81-4T>C on transcript NM_001146079.2 (MANE Select); 4 bases into the intron before 81 bases upstream of the start codon, T replaced by C.
Molecular consequence: intron variant.
Genome position (GRCh38, 1-based): chr21:36,461,780, A>G on the plus strand (T>C on the coding strand, the complement: CLDN14 is on the minus strand). VCF-style: chr21-36461780-A-G. GRCh37 (hg19) VCF-style: chr21-37834078-A-G.
Other names: c.-81-4T>C (NM_001146077.2, NM_001146078.3, NM_144492.3 and 1 more transcripts).
Identifiers: ClinVar variation 3365800 (VCV003365800.1).

ClinVar aggregate classification (germline): Uncertain significance (1 of 4 stars; one submission).

gnomAD v4.1: 2 of 1,518,680 alleles (0.00013%); highest among the groups gnomAD compares: Admixed American, 0.004%; no homozygotes.

Submission:

GeneDx
Classification: Uncertain significance. Last evaluated: 2024-04-19. Review status: criteria provided, single submitter. Criteria: GeneDx Variant Classification Process June 2021. Collection method: clinical testing. Allele origin: germline. Affected: yes.
Comment: In silico analysis indicates that this variant does not alter splicing; Has not been previously published as pathogenic or benign to our knowledge; No data available from control populations to assess the frequency of this variant